The following is an entry in ClinVar:

NM_001042492.3(NF1):c.866T>C (p.Val289Ala)

Gene: NF1 (neurofibromin 1; plus strand). Cytogenetic location: 17q11.2.
Variant type: single nucleotide variant.
Coding change: c.866T>C on transcript NM_001042492.3 (MANE Select); coding-DNA position 866, T replaced by C.
Protein change: p.Val289Ala; replaces valine 289 with alanine.
Molecular consequence: missense variant.
Genome position (GRCh38, 1-based): chr17:31,182,643, T>C. VCF-style: chr17-31182643-T-C. GRCh37 (hg19) VCF-style: chr17-29509661-T-C.
Other names: c.866T>C, p.Val289Ala (NM_000267.4, NM_001128147.3); short protein forms V289A.
Identifiers: ClinVar variation 650039 (VCV000650039.11), dbSNP rs749251299, ClinGen allele CA8485646.
Genomic context (GRCh38, chr17:31,182,643, plus strand): 5'-TACAAATCATTCTCCTTATCTTGTGTCCAGAAATAATCCAGGATATATCCAAAGACGTGG[T>C]TGATGAAAACAACATGAATAAGGTAAGGAGGGCAAAATTATTTCCATTATATCTAGATGT-3'
Protein context (NP_001035957.1, residues 279-299): EIIQDISKDV[Val289Ala]DENNMNKKLF

ClinVar aggregate classification (germline): Conflicting classifications of pathogenicity. Review status: criteria provided, conflicting classifications (1 of 4 stars). 2 submissions from 2 submitters: Uncertain significance (1); Benign (1). Last evaluated 2025-10-20.

Conditions:
Cardiovascular phenotype. Identifiers: MedGen CN230736.
Hereditary cancer-predisposing syndrome. Also called: Hereditary Cancer Syndrome; Tumor predisposition; Neoplastic Syndromes, Hereditary; Hereditary neoplastic syndrome. Identifiers: Orphanet 140162, MedGen C0027672, MeSH D009386, MONDO:0015356.
Neurofibromatosis, type 1 (NF1). Also called: VON RECKLINGHAUSEN DISEASE; Neurofibromatosis, type I; NEUROFIBROMATOSIS, TYPE I, SOMATIC; Peripheral type neurofibromatosis. Identifiers: Orphanet 636, MedGen C0027831, MONDO:0018975, OMIM 162200. Disease mechanism: loss of function.

Allele frequency attached by ClinVar (database versions not stated): gnomAD exomes below 0.00001; ExAC 0.00001.
gnomAD v4.1: 1 of 1,613,714 alleles (0.000062%); highest among the groups gnomAD compares: Non-Finnish European, 0.000085%; no homozygotes.

Submissions (2):

Labcorp Genetics (formerly Invitae), Labcorp
Classification: Benign for Neurofibromatosis, type 1. Last evaluated: 2025-10-20. Review status: criteria provided, single submitter. Criteria: Invitae Variant Classification Sherloc (09022015). Collection method: clinical testing. Allele origin: germline.

Ambry Genetics
Classification: Uncertain significance for Cardiovascular phenotype; Hereditary cancer-predisposing syndrome. Last evaluated: 2025-09-11. Review status: criteria provided, single submitter. Criteria: Ambry Variant Classification Scheme 2023. Collection method: clinical testing. Allele origin: germline.
Comment: The p.V289A variant (also known as c.866T>C), located in coding exon 8 of the NF1 gene, results from a T to C substitution at nucleotide position 866. The valine at codon 289 is replaced by alanine, an amino acid with similar properties. This amino acid position is conserved. In addition, this alteration is predicted to be tolerated by in silico analysis. Since supporting evidence is limited at this time, the clinical significance of this alteration remains unclear.